The following is an entry in ClinVar:

NM_020821.3(VPS13C):c.3436-3C>T

Gene: VPS13C (vacuolar protein sorting 13 homolog C; minus strand). Cytogenetic location: 15q22.2.
Variant type: single nucleotide variant.
Coding change: c.3436-3C>T on transcript NM_020821.3 (MANE Select); 3 bases into the intron before coding-DNA position 3436, C replaced by T.
Molecular consequence: intron variant.
Genome position (GRCh38, 1-based): chr15:61,962,541, G>A on the plus strand (C>T on the coding strand, the complement: VPS13C is on the minus strand). VCF-style: chr15-61962541-G-A. GRCh37 (hg19) VCF-style: chr15-62254740-G-A.
Other names: c.3307-3C>T (NM_017684.5, NM_018080.4); c.3436-3C>T (NM_001018088.3).
Identifiers: ClinVar variation 2148474 (VCV002148474.4), dbSNP rs375154929, ClinGen allele CA7596370.

ClinVar aggregate classification (germline): Uncertain significance (1 of 4 stars; one submission).

Allele frequency attached by ClinVar (database versions not stated): ExAC 0.00002; gnomAD 0.00002; TOPMed 0.00003; gnomAD exomes 0.00004; ESP Exome Variant Server 0.00008.
gnomAD v4.1: 64 of 1,605,376 alleles (0.004%); highest among the groups gnomAD compares: Middle Eastern, 0.033%; no homozygotes.

Submission:

Labcorp Genetics (formerly Invitae), Labcorp
Classification: Uncertain significance. Last evaluated: 2022-08-21. Review status: criteria provided, single submitter. Criteria: Invitae Variant Classification Sherloc (09022015). Collection method: clinical testing. Allele origin: germline.
Comment: In summary, the available evidence is currently insufficient to determine the role of this variant in disease. Therefore, it has been classified as a Variant of Uncertain Significance. Variants that disrupt the consensus splice site are a relatively common cause of aberrant splicing (PMID: 17576681, 9536098). Algorithms developed to predict the effect of sequence changes on RNA splicing suggest that this variant is not likely to affect RNA splicing. This variant has not been reported in the literature in individuals affected with VPS13C-related conditions. This variant is present in population databases (rs375154929, gnomAD 0.005%). This sequence change falls in intron 33 of the VPS13C gene. It does not directly change the encoded amino acid sequence of the VPS13C protein. It affects a nucleotide within the consensus splice site.

Literature cited by the submitters: PubMed 17576681; PubMed 9536098.